The following is an entry in ClinVar:

ClinVar aggregate classification (germline): Uncertain significance (1 of 4 stars; one submission).

gnomAD v4.1: 159 of 1,614,166 alleles (0.0099%); highest among the groups gnomAD compares: Middle Eastern, 0.049%; no homozygotes.

Submission:

CeGaT Center for Human Genetics Tuebingen
Classification: Uncertain significance. Last evaluated: 2026-05-01. Review status: criteria provided, single submitter. Criteria: CeGaT Center For Human Genetics Tuebingen Variant Classification Criteria Version 2. Collection method: clinical testing. Allele origin: germline. Affected: yes. Observed: 1 variant allele.
Comment: PAPPA2: PM2

NM_020318.3(PAPPA2):c.2839C>T (p.Pro947Ser)

Gene: PAPPA2 (pappalysin 2; plus strand). Cytogenetic location: 1q25.2.
Variant type: single nucleotide variant.
Coding change: c.2839C>T on transcript NM_020318.3 (MANE Select); coding-DNA position 2839, C replaced by T.
Protein change: p.Pro947Ser; replaces proline 947 with serine.
Molecular consequence: missense variant.
Genome position (GRCh38, 1-based): chr1:176,699,192, C>T. VCF-style: chr1-176699192-C-T. GRCh37 (hg19) VCF-style: chr1-176668328-C-T.
Other names: short protein forms P947S.
Identifiers: ClinVar variation 4872570 (VCV004872570.2).